The following is an entry in ClinVar:

ClinVar aggregate classification (germline): Pathogenic (1 of 4 stars; one submission).

Conditions:
Atypical hemolytic-uremic syndrome. Identifiers: Orphanet 2134, MedGen C2931788, MONDO:0016244.

Submission:

Genomenon, Inc
Classification: Pathogenic for Atypical hemolytic-uremic syndrome. Last evaluated: 2025-10-02. Review status: criteria provided, single submitter. Criteria: Genomenon Sequence Variant Interpretation Standards - Updated. Collection method: curation. Allele origin: germline. Affected: yes.
Comment: CFH p.Cys915Ter (c.2745C>A) is a nonsense variant that introduces a premature stop codon at amino acid position 915, creating a truncated protein that is predicted to undergo nonsense-mediated mRNA decay. This variant has been observed in at least one proband affected with atypical hemolytic-uremic syndrome (PMID:20513133;23847193). It is absent or not present at a significant frequency in gnomAD. In conclusion, we classify CFH p.Cys915Ter (c.2745C>A) as a pathogenic variant.

Literature cited by the submitters: PubMed 20513133; PubMed 23847193.

NM_000186.4(CFH):c.2745C>A (p.Cys915Ter)

Gene: CFH (complement factor H; plus strand). Cytogenetic location: 1q31.3.
Variant type: single nucleotide variant.
Coding change: c.2745C>A on transcript NM_000186.4 (MANE Select); coding-DNA position 2745, C replaced by A.
Protein change: p.Cys915Ter; replaces cysteine 915 with a stop codon.
Molecular consequence: nonsense.
Genome position (GRCh38, 1-based): chr1:196,737,623, C>A. VCF-style: chr1-196737623-C-A. GRCh37 (hg19) VCF-style: chr1-196706753-C-A.
Other names: short protein forms C915*.
Identifiers: ClinVar variation 4291504 (VCV004291504.1).